The following is an entry in ClinVar:

ClinVar aggregate classification (germline): Uncertain significance (1 of 4 stars; one submission).

Conditions:
Alstrom syndrome (ALMS). Identifiers: Orphanet 64, MedGen C0268425, MONDO:0008763, OMIM 203800.

Allele frequency attached by ClinVar (database versions not stated): gnomAD exomes 0.00001.
gnomAD v4.1: 15 of 1,614,072 alleles (0.00093%); highest among the groups gnomAD compares: Non-Finnish European, 0.0012%; no homozygotes.

Submission:

Labcorp Genetics (formerly Invitae), Labcorp
Classification: Uncertain significance for Alstrom syndrome. Last evaluated: 2022-06-02. Review status: criteria provided, single submitter. Criteria: Invitae Variant Classification Sherloc (09022015). Collection method: clinical testing. Allele origin: germline.
Comment: Experimental studies and prediction algorithms are not available or were not evaluated, and the functional significance of this variant is currently unknown. In summary, the available evidence is currently insufficient to determine the role of this variant in disease. Therefore, it has been classified as a Variant of Uncertain Significance. Algorithms developed to predict the effect of sequence changes on RNA splicing suggest that this variant may disrupt the consensus splice site. This variant has not been reported in the literature in individuals affected with ALMS1-related conditions. This variant is present in population databases (no rsID available, gnomAD 0.002%). This sequence change replaces valine, which is neutral and non-polar, with glycine, which is neutral and non-polar, at codon 420 of the ALMS1 protein (p.Val420Gly).

NM_001378454.1(ALMS1):c.1256T>G (p.Val419Gly)

Gene: ALMS1 (ALMS1 centrosome and basal body associated protein; plus strand). Cytogenetic location: 2p13.1.
Variant type: single nucleotide variant.
Coding change: c.1256T>G on transcript NM_001378454.1 (MANE Select); coding-DNA position 1256, T replaced by G.
Protein change: p.Val419Gly; replaces valine 419 with glycine.
Molecular consequence: missense variant.
Genome position (GRCh38, 1-based): chr2:73,426,471, T>G. VCF-style: chr2-73426471-T-G. GRCh37 (hg19) VCF-style: chr2-73653599-T-G.
Other names: c.1259T>G, p.Val420Gly (NM_015120.4); short protein forms V419G, V420G.
Identifiers: ClinVar variation 2079587 (VCV002079587.4), dbSNP rs1463496243, ClinGen allele CA347261851.